The following is an entry in ClinVar:

NM_001130987.2(DYSF):c.3863T>C (p.Leu1288Pro)

Gene: DYSF (dysferlin; plus strand). Cytogenetic location: 2p13.2.
Variant type: single nucleotide variant.
Coding change: c.3863T>C on transcript NM_001130987.2 (MANE Select); coding-DNA position 3863, T replaced by C.
Protein change: p.Leu1288Pro; replaces leucine 1288 with proline.
Molecular consequence: missense variant.
Genome position (GRCh38, 1-based): chr2:71,600,808, T>C. VCF-style: chr2-71600808-T-C. GRCh37 (hg19) VCF-style: chr2-71827938-T-C.
Other names: c.3812T>C, p.Leu1271Pro (NM_001130455.2, NM_001130983.2); c.3767T>C, p.Leu1256Pro (NM_001130976.2, NM_001130977.2); c.3809T>C, p.Leu1270Pro (NM_001130978.2, NM_003494.4); c.3902T>C, p.Leu1301Pro (NM_001130979.2); c.3860T>C, p.Leu1287Pro (NM_001130980.2, NM_001130981.2); c.3905T>C, p.Leu1302Pro (NM_001130982.2); c.3770T>C, p.Leu1257Pro (NM_001130984.2, NM_001130986.2); c.3863T>C, p.Leu1288Pro (NM_001130985.2); short protein forms L1270P, L1288P, L1301P, L1271P, L1287P, L1302P, L1257P, L1256P.
Identifiers: ClinVar variation 499010 (VCV000499010.16), dbSNP rs886042828, ClinGen allele CA347225550.

ClinVar aggregate classification (germline): Uncertain significance. Review status: criteria provided, multiple submitters, no conflicts (2 of 4 stars). 2 submissions from 2 submitters: Uncertain significance (2). Last evaluated 2022-02-03.

Conditions:
Neuromuscular disease caused by qualitative or quantitative defects of dysferlin. Also called: Dysferlinopathy; Qualitative or quantitative defects of dysferlin. Identifiers: Orphanet 207073, MedGen C2931687, MONDO:0016145.

Allele frequency attached by ClinVar (database versions not stated): gnomAD exomes below 0.00001.
gnomAD v4.1: 1 of 1,613,156 alleles (0.000062%); highest among the groups gnomAD compares: Non-Finnish European, 0.000085%; no homozygotes.

Submissions (2):

Labcorp Genetics (formerly Invitae), Labcorp
Classification: Uncertain significance for Neuromuscular disease caused by qualitative or quantitative defects of dysferlin. Last evaluated: 2022-02-03. Review status: criteria provided, single submitter. Criteria: Invitae Variant Classification Sherloc (09022015). Collection method: clinical testing. Allele origin: germline.
Comment: ClinVar contains an entry for this variant (Variation ID: 499010). In summary, the available evidence is currently insufficient to determine the role of this variant in disease. Therefore, it has been classified as a Variant of Uncertain Significance. Advanced modeling of protein sequence and biophysical properties (such as structural, functional, and spatial information, amino acid conservation, physicochemical variation, residue mobility, and thermodynamic stability) performed at Invitae indicates that this missense variant is expected to disrupt DYSF protein function. This variant has not been reported in the literature in individuals affected with DYSF-related conditions. This sequence change replaces leucine, which is neutral and non-polar, with proline, which is neutral and non-polar, at codon 1270 of the DYSF protein (p.Leu1270Pro). This variant is not present in population databases (gnomAD no frequency).

Eurofins Ntd Llc (ga)
Classification: Uncertain significance. Last evaluated: 2016-12-20. Review status: criteria provided, single submitter. Criteria: EGL Classification Definitions 2015. Collection method: clinical testing. Allele origin: germline. Observed: 1 variant allele, 1 heterozygote.